The following is an entry in ClinVar:

NM_004519.4(KCNQ3):c.2519C>T (p.Thr840Ile)

Gene: KCNQ3 (potassium voltage-gated channel subfamily Q member 3; minus strand). Cytogenetic location: 8q24.22.
Variant type: single nucleotide variant.
Coding change: c.2519C>T on transcript NM_004519.4 (MANE Select); coding-DNA position 2519, C replaced by T.
Protein change: p.Thr840Ile; replaces threonine 840 with isoleucine.
Molecular consequence: missense variant.
Genome position (GRCh38, 1-based): chr8:132,129,362, G>A on the plus strand (C>T on the coding strand, the complement: KCNQ3 is on the minus strand). VCF-style: chr8-132129362-G-A. GRCh37 (hg19) VCF-style: chr8-133141609-G-A.
Other names: c.2159C>T, p.Thr720Ile (NM_001204824.2); short protein forms T720I, T840I.
Identifiers: ClinVar variation 3362321 (VCV003362321.3).

ClinVar aggregate classification (germline): Uncertain significance (1 of 4 stars; one submission).

Conditions:
Seizures, benign familial neonatal, 2. Also called: Benign Neonatal Epilepsy 2; CONVULSIONS, BENIGN FAMILIAL NEONATAL, 2; KCNQ3-Related Self-Limited Familial Neonatal Epilepsy (SLFNE); KCNQ3-Related Benign Familial Neonatal Epilepsy; Seizures, benign neonatal, 2. Identifiers: Orphanet 1949, MedGen C1852581, MONDO:0007366, OMIM 121201.

Submission:

Neuberg Centre For Genomic Medicine, NCGM
Classification: Uncertain significance for Seizures, benign familial neonatal, 2. Last evaluated: 2023-06-02. Review status: criteria provided, single submitter. Criteria: ACMG Guidelines, 2015. Collection method: clinical testing. Allele origin: germline. Inheritance: Autosomal dominant inheritance. Affected: yes.
Comment: The observed missense c.2519C>T(p.Thr840Ile) variant in KCNQ3 gene has not been reported previously as a pathogenic variant nor as a benign variant, to our knowledge. This variant is absent in gnomAD Exomes. The amino acid Thr at position 840 is changed to a Ile changing protein sequence and it might alter its composition and physico-chemical properties. The amino acid change p.Thr840Ile in KCNQ3 is predicted as conserved by GERP++ and PhyloP across 100 vertebrates. Multiple lines of computational evidence (Polyphen - Damaging, SIFT - Damaging, and MutationTaster - Disease causing) predict a damaging effect on protein structure and function for this variant. For these reasons, this variant has been classified as Uncertain Significance.